The following is an entry in ClinVar:

ClinVar aggregate classification (germline): Uncertain significance (1 of 4 stars; one submission).

Submission:

GeneDx
Classification: Uncertain significance. Last evaluated: 2025-03-17. Review status: criteria provided, single submitter. Criteria: GeneDx Variant Classification Process June 2021. Collection method: clinical testing. Allele origin: germline. Affected: yes.
Comment: Not observed at significant frequency in large population cohorts (gnomAD); In silico analysis supports that this missense variant has a deleterious effect on protein structure/function; Has not been previously published as pathogenic or benign to our knowledge

NM_033310.3(KCNK4):c.292G>A (p.Gly98Arg)

Genes: KCNK4 (potassium two pore domain channel subfamily K member 4; plus strand), KCNK4-CATSPERZ (KCNK4-CATSPERZ readthrough (NMD candidate); plus strand). Cytogenetic location: 11q13.1.
Variant type: single nucleotide variant.
Coding change: c.292G>A on transcript NM_033310.3 (MANE Select); coding-DNA position 292, G replaced by A.
Protein change: p.Gly98Arg; replaces glycine 98 with arginine.
Molecular consequence: missense variant. On other transcripts: non-coding transcript variant (3).
Genome position (GRCh38, 1-based): chr11:64,296,980, G>A. VCF-style: chr11-64296980-G-A. GRCh37 (hg19) VCF-style: chr11-64064452-G-A.
Other names: c.292G>A, p.Gly98Arg (NM_001317090.2); short protein forms G98R.
Identifiers: ClinVar variation 4086533 (VCV004086533.1).